The following is an entry in ClinVar:

ClinVar aggregate classification (germline): Pathogenic/Likely pathogenic. Review status: criteria provided, multiple submitters, no conflicts (2 of 4 stars). 3 submissions from 3 submitters: Pathogenic (1); Likely pathogenic (2). Last evaluated 2025-03-28.

Conditions:
Deficiency of steroid 11-beta-monooxygenase (CYP11B1). Also called: ADRENAL HYPERPLASIA, CONGENITAL, DUE TO STEROID 11-BETA-HYDROXYLASE DEFICIENCY; 11-BETA-HYDROXYLASE DEFICIENCY; P450C11B1 DEFICIENCY; STEROID 11-BETA-HYDROXYLASE DEFICIENCY; Congenital adrenal hyperplasia due to 11-beta-hydroxylase deficiency; ADRENAL HYPERPLASIA IV. Identifiers: Orphanet 90795, MedGen C0268292, MONDO:0008729, OMIM 202010. Disease mechanism: loss of function.

Submissions (3):

First Genomix Gene Laboratory, Genetic Diagnostics Department
Classification: Likely pathogenic for Deficiency of steroid 11-beta-monooxygenase. Last evaluated: 2025-03-28. Review status: criteria provided, single submitter. Criteria: ACMG Guidelines, 2015. Collection method: clinical testing. Allele origin: germline. Inheritance: Autosomal recessive inheritance. Affected: no. Observed: 1 variant allele.

Labcorp Genetics (formerly Invitae), Labcorp
Classification: Pathogenic. Last evaluated: 2023-06-14. Review status: criteria provided, single submitter. Criteria: Invitae Variant Classification Sherloc (09022015). Collection method: clinical testing. Allele origin: germline.
Comment: This variant has not been reported in the literature in individuals affected with CYP11B1-related conditions. This variant is not present in population databases (gnomAD no frequency). This sequence change creates a premature translational stop signal (p.Ser150*) in the CYP11B1 gene. It is expected to result in an absent or disrupted protein product. Loss-of-function variants in CYP11B1 are known to be pathogenic (PMID: 8506298, 26476331). ClinVar contains an entry for this variant (Variation ID: 1384166). For these reasons, this variant has been classified as Pathogenic.

Baylor Genetics
Classification: Likely pathogenic for Deficiency of steroid 11-beta-monooxygenase. Last evaluated: 2023-02-25. Review status: criteria provided, single submitter. Criteria: ACMG Guidelines, 2015. Collection method: clinical testing. Allele origin: unknown.

Literature cited by the submitters: PubMed 8506298 (cited by Labcorp Genetics (formerly Invitae), Labcorp); PubMed 26476331 (cited by Labcorp Genetics (formerly Invitae), Labcorp).

NM_000497.4(CYP11B1):c.449C>A (p.Ser150Ter)

Genes: CYP11B1 (cytochrome P450 family 11 subfamily B member 1; minus strand), LOC106799833 (CYP11B1 recombination region; plus strand). Cytogenetic location: 8q24.3.
Variant type: single nucleotide variant.
Coding change: c.449C>A on transcript NM_000497.4 (MANE Select); coding-DNA position 449, C replaced by A.
Protein change: p.Ser150Ter; replaces serine 150 with a stop codon.
Molecular consequence: nonsense.
Genome position (GRCh38, 1-based): chr8:142,877,169, G>T on the plus strand (C>A on the coding strand, the complement: CYP11B1 is on the minus strand). VCF-style: chr8-142877169-G-T. GRCh37 (hg19) VCF-style: chr8-143958585-G-T.
Other names: c.449C>A, p.Ser150Ter (NM_001026213.1); short protein forms S150*.
Identifiers: ClinVar variation 1384166 (VCV001384166.8), dbSNP rs142484434, ClinGen allele CA372396131.
Genomic context (GRCh38, chr8:142,877,169, plus strand): 5'-TGGGAGAAGTCCCTGGCCACTGCATCCACCATCGGGAGGAACCTCTGCACAGCGTTGGGC[G>T]ACAGCACTTCTGGATTCAGCCGCAATCGGTTGAAGCGCCATTCAGGCCCATTCCTACAGA-3'